The following is an entry in ClinVar:

NM_001099922.3(ALG13):c.2248-42A>G

Gene: ALG13 (ALG13 UDP-N-acetylglucosaminyltransferase subunit; plus strand). Cytogenetic location: Xq23.
Variant type: single nucleotide variant.
Coding change: c.2248-42A>G on transcript NM_001099922.3 (MANE Select); 42 bases into the intron before coding-DNA position 2248, A replaced by G.
Molecular consequence: intron variant.
Genome position (GRCh38, 1-based): chrX:111,728,143, A>G. VCF-style: chrX-111728143-A-G. GRCh37 (hg19) VCF-style: chrX-110971371-A-G.
Other names: NC_000023.10:g.110971371A>G; c.1936-42A>G (NM_001257237.2, NM_001257234.2, NM_001257230.2); c.1762-42A>G (NM_001324293.1); c.2014-42A>G (NM_001257231.2); c.2248-42A>G (NM_001324292.2).
Identifiers: ClinVar variation 676962 (VCV000676962.2), dbSNP rs147250361, ClinGen allele CA10493839.

ClinVar aggregate classification (germline): Likely benign (1 of 4 stars; one submission).

Allele frequency attached by ClinVar (database versions not stated): gnomAD exomes 0.00156; ExAC 0.00185; gnomAD 0.00594 and 0.00623; ESP Exome Variant Server 0.00603; TOPMed 0.00638; 1000 Genomes Project 0.00689; 1000 Genomes Project 30x 0.00770.
gnomAD v4.1: 1,343 of 1,206,519 alleles (0.11%); highest among the groups gnomAD compares: African/African-American, 2%; 5 homozygotes.

Submissions (4):

GeneDx
Classification: Likely benign. Last evaluated: 2018-06-19. Review status: criteria provided, single submitter. Criteria: GeneDx Variant Classification (06012015). Collection method: clinical testing. Allele origin: germline. Affected: yes.
Comment: This variant is considered likely benign or benign based on one or more of the following criteria: it is a conservative change, it occurs at a poorly conserved position in the protein, it is predicted to be benign by multiple in silico algorithms, and/or has population frequency not consistent with disease.

Dr. Peter K. Rogan Lab, Western University
No classification provided (evidence only). Condition: Familial cancer of breast. Review status: no classification provided. Collection method: in vitro. Allele origin: not applicable. Functional consequence: retained intron. Not counted in ClinVar's aggregate classification.

Dr. Peter K. Rogan Lab, Western University
No classification provided (evidence only). Condition: Cholangiocarcinoma. Review status: no classification provided. Collection method: in vitro. Allele origin: not applicable. Functional consequence: retained intron. Not counted in ClinVar's aggregate classification.

Dr. Peter K. Rogan Lab, Western University
No classification provided (evidence only). Condition: Malignant tumor of esophagus. Review status: no classification provided. Collection method: in vitro. Allele origin: not applicable. Functional consequence: retained intron. Not counted in ClinVar's aggregate classification.